The following is an entry in ClinVar:

ClinVar aggregate classification (germline): Likely benign (0 of 4 stars; one submission).

Conditions:
SDCCAG8-related disorder. Also called: SDCCAG8-related condition; SDCCAG8-Related Disorders.

Submission:

PreventionGenetics, part of Exact Sciences
Classification: Likely benign for SDCCAG8-related condition. Last evaluated: 2021-12-09. Review status: no assertion criteria provided. Collection method: clinical testing. Allele origin: germline.
Comment: This variant is classified as likely benign based on ACMG/AMP sequence variant interpretation guidelines (Richards et al. 2015 PMID: 25741868, with internal and published modifications).

NM_006642.5(SDCCAG8):c.2097C>T (p.Asp699=)

Genes: AKT3 (AKT serine/threonine kinase 3; minus strand), SDCCAG8 (SHH signaling and ciliogenesis regulator SDCCAG8; plus strand). Cytogenetic location: 1q43.
Variant type: single nucleotide variant.
Coding change: c.2097C>T on transcript NM_006642.5 (MANE Select); coding-DNA position 2097, C replaced by T.
Protein change: p.Asp699=; no amino-acid change (aspartic acid 699 retained).
Molecular consequence: synonymous variant. On other transcripts: intron variant (1).
Genome position (GRCh38, 1-based): chr1:243,489,125, C>T. VCF-style: chr1-243489125-C-T. GRCh37 (hg19) VCF-style: chr1-243652427-C-T.
Other names: c.1194C>T, p.Asp398= (NM_001350246.2, NM_001350247.2, NM_001350251.2); c.2193C>T, p.Asp731= (NM_001350248.2); c.1803C>T, p.Asp601= (NM_001350249.2); c.*7-675G>A (NM_181690.2).
Identifiers: ClinVar variation 3358822 (VCV003358822.1).